The following is an entry in ClinVar:

NM_052947.4(ALPK2):c.932G>T (p.Cys311Phe)

Genes: ALPK2 (alpha kinase 2; minus strand), LOC114803473 (ALPK2 eExon liver enhancer; plus strand). Cytogenetic location: 18q21.31.
Variant type: single nucleotide variant.
Coding change: c.932G>T on transcript NM_052947.4 (MANE Select); coding-DNA position 932, G replaced by T.
Protein change: p.Cys311Phe; replaces cysteine 311 with phenylalanine.
Molecular consequence: missense variant.
Genome position (GRCh38, 1-based): chr18:58,579,844, C>A on the plus strand (G>T on the coding strand, the complement: ALPK2 is on the minus strand). VCF-style: chr18-58579844-C-A. GRCh37 (hg19) VCF-style: chr18-56247076-C-A.
Other names: short protein forms C311F.
Identifiers: ClinVar variation 3530991 (VCV003530991.1).

ClinVar aggregate classification (germline): Uncertain significance (1 of 4 stars; one submission).

Submission:

Ambry Genetics
Classification: Uncertain significance. Last evaluated: 2024-08-02. Review status: criteria provided, single submitter. Criteria: Ambry Variant Classification Scheme 2023. Collection method: clinical testing. Allele origin: germline.
Comment: The p.C311F variant (also known as c.932G>T), located in coding exon 3 of the ALPK2 gene, results from a G to T substitution at nucleotide position 932. The cysteine at codon 311 is replaced by phenylalanine, an amino acid with highly dissimilar properties. This amino acid position is conserved. In addition, the in silico prediction for this alteration is inconclusive. Based on the available evidence, the clinical significance of this variant remains unclear.